The following is an entry in ClinVar:

ClinVar aggregate classification (germline): Uncertain significance. Review status: criteria provided, multiple submitters, no conflicts (2 of 4 stars). 2 submissions from 2 submitters: Uncertain significance (2). Last evaluated 2023-05-20.

Conditions:
Platelet abnormalities with eosinophilia and immune-mediated inflammatory disease. Also called: IMMUNODEFICIENCY 71 WITH INFLAMMATORY DISEASE AND CONGENITAL THROMBOCYTOPENIA. Identifiers: MedGen C4540232, MONDO:0060583, OMIM 617718.

Allele frequency attached by ClinVar (database versions not stated): gnomAD 0.00001; gnomAD exomes 0.00001.
gnomAD v4.1: 8 of 1,612,930 alleles (0.0005%); highest among the groups gnomAD compares: Admixed American, 0.0017%; no homozygotes.

Submissions (2):

Neuberg Centre For Genomic Medicine, NCGM
Classification: Uncertain significance for Platelet abnormalities with eosinophilia and immune-mediated inflammatory disease. Last evaluated: 2023-05-20. Review status: criteria provided, single submitter. Criteria: ACMG Guidelines, 2015. Collection method: clinical testing. Allele origin: germline. Inheritance: Autosomal recessive inheritance. Affected: yes.
Comment: The observed missense variant c.782C>T (p.Ala261Val) in the ARPC1B gene has not been reported previously as a pathogenic variant nor as a benign variant, to our knowledge. This variant is reported with the allele frequency 0.002% in the gnomAD Exomes. This variant has been reported to the ClinVar database as Uncertain Significance. However, no details are available for independent assessment. The amino acid Alanine at position 261 is changed to a Valine changing protein sequence and it might alter its composition and physico-chemical properties. Multiple lines of computational evidence (Polyphen - Possibly Damaging and MutationTaster - Disease causing) predict a damaging effect on protein structure and function for this variant. The residue is conserved by GERP++ and PhyloP across 100 vertebrates. For these reasons, this variant has been classified as Uncertain Significance.

Labcorp Genetics (formerly Invitae), Labcorp
Classification: Uncertain significance. Last evaluated: 2022-04-08. Review status: criteria provided, single submitter. Criteria: Invitae Variant Classification Sherloc (09022015). Collection method: clinical testing. Allele origin: germline.
Comment: This sequence change replaces alanine, which is neutral and non-polar, with valine, which is neutral and non-polar, at codon 261 of the ARPC1B protein (p.Ala261Val). This variant is present in population databases (no rsID available, gnomAD 0.003%). This variant has not been reported in the literature in individuals affected with ARPC1B-related conditions. Algorithms developed to predict the effect of missense changes on protein structure and function are either unavailable or do not agree on the potential impact of this missense change (SIFT: "Deleterious"; PolyPhen-2: "Benign"; Align-GVGD: "Class C15"). Algorithms developed to predict the effect of sequence changes on RNA splicing suggest that this variant may disrupt the consensus splice site. In summary, the available evidence is currently insufficient to determine the role of this variant in disease. Therefore, it has been classified as a Variant of Uncertain Significance.

NM_005720.4(ARPC1B):c.782C>T (p.Ala261Val)

Gene: ARPC1B (actin related protein 2/3 complex subunit 1B; plus strand). Cytogenetic location: 7q22.1.
Variant type: single nucleotide variant.
Coding change: c.782C>T on transcript NM_005720.4 (MANE Select); coding-DNA position 782, C replaced by T.
Protein change: p.Ala261Val; replaces alanine 261 with valine.
Molecular consequence: missense variant.
Genome position (GRCh38, 1-based): chr7:99,391,252, C>T. VCF-style: chr7-99391252-C-T. GRCh37 (hg19) VCF-style: chr7-98988875-C-T.
Other names: short protein forms A261V.
Identifiers: ClinVar variation 1942141 (VCV001942141.3), dbSNP rs1405172360, ClinGen allele CA368325753.